The following is an entry in ClinVar:

NC_000017.10:g.(?_17116969)_(17120506_?)del

Gene: FLCN (folliculin; minus strand). Cytogenetic location: 17p11.2.
Variant type: Deletion.
Identifiers: ClinVar variation 2427320 (VCV002427320.6).

ClinVar aggregate classification (germline): Pathogenic (1 of 4 stars; one submission).

Conditions:
Birt-Hogg-Dube syndrome. Also called: Birt Hogg Dubé syndrome. Identifiers: Orphanet 122, MedGen C0346010, MONDO:0800444.

Submission:

Labcorp Genetics (formerly Invitae), Labcorp
Classification: Pathogenic for Birt-Hogg-Dube syndrome. Last evaluated: 2022-07-29. Review status: criteria provided, single submitter. Criteria: Invitae Variant Classification Sherloc (09022015). Collection method: clinical testing. Allele origin: germline.
Comment: This variant disrupts a region of the FLCN protein in which other variant(s) (p.Arg527*) have been determined to be pathogenic (PMID: 15852235; Invitae). This suggests that this is a clinically significant region of the protein, and that variants that disrupt it are likely to be disease-causing. A similar copy number variant has been observed in individual(s) with spontaneous pneumothorax (PMID: 33927747). This variant is a gross deletion of the genomic region encompassing exon(s) 10-14 of the FLCN gene, which includes the termination codon. This deletion extends beyond the assayed region for this gene and therefore may encompass additional genes. While this deletion is not anticipated to lead to nonsense mediated decay, it is expected to alter mRNA translation or result in a truncated protein product. For these reasons, this variant has been classified as Pathogenic.

Literature cited by the submitters: PubMed 15852235; PubMed 33927747.